The following is an entry in ClinVar:

NM_001159699.2(FHL1):c.844T>C (p.Phe282Leu)

Gene: FHL1 (four and a half LIM domains 1; plus strand). Cytogenetic location: Xq26.3.
Variant type: single nucleotide variant.
Coding change: c.844T>C on transcript NM_001159699.2 (MANE Select); coding-DNA position 844, T replaced by C.
Protein change: p.Phe282Leu; replaces phenylalanine 282 with leucine.
Molecular consequence: missense variant. On other transcripts: 3 prime UTR variant (6), non-coding transcript variant (1).
Genome position (GRCh38, 1-based): chrX:136,209,978, T>C. VCF-style: chrX-136209978-T-C. GRCh37 (hg19) VCF-style: chrX-135292137-T-C.
Other names: c.796T>C, p.Phe266Leu (NM_001159700.2, NM_001159704.1, NM_001167819.1 and 4 more transcripts); c.883T>C, p.Phe295Leu (NM_001159701.2); c.*24T>C (NM_001159702.3, NM_001159703.2, NM_001330659.2 and 3 more transcripts); short protein forms F266L, F282L, F295L.
Identifiers: ClinVar variation 3607536 (VCV003607536.1).

ClinVar aggregate classification (germline): Uncertain significance (1 of 4 stars; one submission).

Conditions:
X-linked myopathy with postural muscle atrophy. Also called: FHL1-Related Emery-Dreifuss Muscular Dystrophy, X-Linked. Identifiers: Orphanet 178461, MedGen C2678055, MONDO:0010401, OMIM 300696.

gnomAD v4.1: 19 of 1,211,475 alleles (0.0016%); highest among the groups gnomAD compares: Non-Finnish European, 0.002%; no homozygotes.

Submission:

Labcorp Genetics (formerly Invitae), Labcorp
Classification: Uncertain significance for X-linked myopathy with postural muscle atrophy. Last evaluated: 2024-08-15. Review status: criteria provided, single submitter. Criteria: Invitae Variant Classification Sherloc (09022015). Collection method: clinical testing. Allele origin: germline.
Comment: This sequence change replaces phenylalanine, which is neutral and non-polar, with leucine, which is neutral and non-polar, at codon 266 of the FHL1 protein (p.Phe266Leu). This variant is not present in population databases (gnomAD no frequency). This variant has not been reported in the literature in individuals affected with FHL1-related conditions. An algorithm developed to predict the effect of missense changes on protein structure and function (PolyPhen-2) suggests that this variant¬†is likely to be tolerated. In summary, the available evidence is currently insufficient to determine the role of this variant in disease. Therefore, it has been classified as a Variant of Uncertain Significance.